The following is an entry in ClinVar:

NM_003718.5(CDK13):c.3483_3484delinsGC (p.Ser1162Pro)

Gene: CDK13 (cyclin dependent kinase 13; plus strand). Cytogenetic location: 7p14.1.
Variant type: Indel.
Coding change: c.3483_3484delinsGC on transcript NM_003718.5 (MANE Select); coding-DNA positions 3483 to 3484, TT replaced by GC.
Protein change: p.Ser1162Pro; replaces serine 1162 with proline.
Molecular consequence: missense variant.
Genome position (GRCh38, 1-based): chr7:40,093,032-40,093,033, TT replaced by GC. VCF-style: chr7-40093032-TT-GC. GRCh37 (hg19) VCF-style: chr7-40132631-TT-GC.
Other names: c.3303_3304delTTinsGC, p.Ser1102Pro (NM_031267.4); short protein forms S1102P, S1162P.
Identifiers: ClinVar variation 3020062 (VCV003020062.3), dbSNP rs2484067312, ClinGen allele CA2740097354.

ClinVar aggregate classification (germline): Uncertain significance (1 of 4 stars; one submission).

Submission:

Labcorp Genetics (formerly Invitae), Labcorp
Classification: Uncertain significance. Last evaluated: 2023-10-22. Review status: criteria provided, single submitter. Criteria: Invitae Variant Classification Sherloc (09022015). Collection method: clinical testing. Allele origin: germline.
Comment: This sequence change replaces serine, which is neutral and polar, with proline, which is neutral and non-polar, at codon 1162 of the CDK13 protein (p.Ser1162Pro). Information on the frequency of this variant in the gnomAD database is not available, as this variant may be reported differently in the database. This variant has not been reported in the literature in individuals affected with CDK13-related conditions. Experimental studies and prediction algorithms are not available or were not evaluated, and the functional significance of this variant is currently unknown. In summary, the available evidence is currently insufficient to determine the role of this variant in disease. Therefore, it has been classified as a Variant of Uncertain Significance.